The following is an entry in ClinVar:

NM_006393.3(NEBL):c.3020C>A (p.Ala1007Glu)

Gene: NEBL (nebulette; minus strand). Cytogenetic location: 10p12.31.
Variant type: single nucleotide variant.
Coding change: c.3020C>A on transcript NM_006393.3 (MANE Select); coding-DNA position 3020, C replaced by A.
Protein change: p.Ala1007Glu; replaces alanine 1007 with glutamic acid.
Molecular consequence: missense variant. On other transcripts: 3 prime UTR variant (1).
Genome position (GRCh38, 1-based): chr10:20,785,772, G>T on the plus strand (C>A on the coding strand, the complement: NEBL is on the minus strand). VCF-style: chr10-20785772-G-T. GRCh37 (hg19) VCF-style: chr10-21074701-G-T.
Other names: c.*111C>A (NM_001173484.2); c.881C>A, p.Ala294Glu (NM_001377322.1); c.740C>A, p.Ala247Glu (NM_001377323.1); c.731C>A, p.Ala244Glu (NM_001377324.1); c.722C>A, p.Ala241Glu (NM_001377325.1); c.680C>A, p.Ala227Glu (NM_001377326.1, NM_001377327.1, NM_001377328.1); c.788C>A, p.Ala263Glu (NM_213569.2); short protein forms A1007E, A227E, A241E, A244E, A263E, A247E, A294E.
Identifiers: ClinVar variation 1798913 (VCV001798913.2), dbSNP rs769728098, ClinGen allele CA376092034.

ClinVar aggregate classification (germline): Uncertain significance (1 of 4 stars; one submission).

gnomAD v4.1: 1 of 1,613,818 alleles (0.000062%); highest among the groups gnomAD compares: Non-Finnish European, 0.000085%; no homozygotes.

Submission:

Ambry Genetics
Classification: Uncertain significance. Last evaluated: 2022-10-14. Review status: criteria provided, single submitter. Criteria: Ambry Variant Classification Scheme 2023. Collection method: clinical testing. Allele origin: germline.
Comment: The p.A1007E variant (also known as c.3020C>A), located in coding exon 28 of the NEBL gene, results from a C to A substitution at nucleotide position 3020. The alanine at codon 1007 is replaced by glutamic acid, an amino acid with dissimilar properties. This amino acid position is conserved. In addition, this alteration is predicted to be deleterious by in silico analysis. Since supporting evidence is limited at this time, the clinical significance of this alteration remains unclear.